The following is an entry in ClinVar:

NM_001330260.2(SCN8A):c.2408A>G (p.Lys803Arg)

Gene: SCN8A (sodium voltage-gated channel alpha subunit 8; plus strand). Cytogenetic location: 12q13.13.
Variant type: single nucleotide variant.
Coding change: c.2408A>G on transcript NM_001330260.2 (MANE Select); coding-DNA position 2408, A replaced by G.
Protein change: p.Lys803Arg; replaces lysine 803 with arginine.
Molecular consequence: missense variant.
Genome position (GRCh38, 1-based): chr12:51,762,540, A>G. VCF-style: chr12-51762540-A-G. GRCh37 (hg19) VCF-style: chr12-52156324-A-G.
Other names: c.2408A>G, p.Lys803Arg (NM_001177984.3, NM_001369788.1, NM_014191.4); short protein forms K803R.
Identifiers: ClinVar variation 1064117 (VCV001064117.10), dbSNP rs2138857715, ClinGen allele CA384883305.

ClinVar aggregate classification (germline): Uncertain significance (1 of 4 stars; one submission).

Conditions:
Early-infantile DEE. Also called: Ohtahara syndrome; Early infantile epileptic encephalopathy with suppression bursts; Early infantile epileptic encephalopathy. Identifiers: Orphanet 1934, MedGen C0393706, MONDO:0800491.

Submission:

Labcorp Genetics (formerly Invitae), Labcorp
Classification: Uncertain significance for Early-infantile DEE. Last evaluated: 2024-12-15. Review status: criteria provided, single submitter. Criteria: Invitae Variant Classification Sherloc (09022015). Collection method: clinical testing. Allele origin: germline.
Comment: This sequence change replaces lysine, which is basic and polar, with arginine, which is basic and polar, at codon 803 of the SCN8A protein (p.Lys803Arg). This variant is not present in population databases (gnomAD no frequency). This variant has not been reported in the literature in individuals affected with SCN8A-related conditions. ClinVar contains an entry for this variant (Variation ID: 1064117). Invitae Evidence Modeling of protein sequence and biophysical properties (such as structural, functional, and spatial information, amino acid conservation, physicochemical variation, residue mobility, and thermodynamic stability) indicates that this missense variant is expected to disrupt SCN8A protein function with a positive predictive value of 95%. In summary, the available evidence is currently insufficient to determine the role of this variant in disease. Therefore, it has been classified as a Variant of Uncertain Significance.